The following is an entry in ClinVar:

ClinVar aggregate classification (germline): Uncertain significance (1 of 4 stars; one submission).

Conditions:
Noonan syndrome 4 (NS4). Also called: NOONAN SYNDROME WITH PIGMENTED VILLONODULAR SYNOVITIS; SOS1-Related Noonan Syndrome. Identifiers: Orphanet 648, MedGen C1853120, MONDO:0012547, OMIM 610733.

Allele frequency attached by ClinVar (database versions not stated): gnomAD exomes below 0.00001; TOPMed 0.00001.
gnomAD v4.1: 1 of 1,539,110 alleles (0.000065%); highest among the groups gnomAD compares: Non-Finnish European, 0.00009%; no homozygotes.

Submission:

New York Genome Center
Classification: Uncertain significance for Noonan syndrome 4. Last evaluated: 2021-04-23. Review status: criteria provided, single submitter. Criteria: NYGC Assertion Criteria 2020. Collection method: clinical testing. Allele origin: germline. Observed: 1 heterozygote. Study: CSER-NYCKidSeq.
Comment: The heterozygous c.541G>A (p.Glu181Lys) variant identified in the SOS1 gene substitutes a conserved Glutamic Acid for Lysine at amino acid 181/1334 (exon 5/23). This variant is absent from gnomAD(v3.1.1) suggesting it is not a common benign variant in the populations represented in that database. In silico algorithms predict this variant be Damaging (SIFT; score: 0.015) and Benign (REVEL; score:0.395) to the function of the canonical transcript. This variant is absent from ClinVar and to our current knowledge has not been reported in affected individuals in the literature. The p.Glu181 residue is not within a mapped domain of SOS1 (UniProtKB: Q07889). Given the lack of compelling evidence for its pathogenicity, the heterozygous c.541G>A (p.Glu181Lys) variant identified in the SOS1 gene is reported as a Variant of Uncertain Significance.

NM_005633.4(SOS1):c.541G>A (p.Glu181Lys)

Gene: SOS1 (SOS Ras/Rac guanine nucleotide exchange factor 1; minus strand). Cytogenetic location: 2p22.1.
Variant type: single nucleotide variant.
Coding change: c.541G>A on transcript NM_005633.4 (MANE Select); coding-DNA position 541, G replaced by A.
Protein change: p.Glu181Lys; replaces glutamic acid 181 with lysine.
Molecular consequence: missense variant.
Genome position (GRCh38, 1-based): chr2:39,054,793, C>T on the plus strand (G>A on the coding strand, the complement: SOS1 is on the minus strand). VCF-style: chr2-39054793-C-T. GRCh37 (hg19) VCF-style: chr2-39281934-C-T.
Other names: c.520G>A, p.Glu174Lys (NM_001382394.1); c.541G>A, p.Glu181Lys (NM_001382395.1); short protein forms E174K, E181K.
Identifiers: ClinVar variation 1679627 (VCV001679627.1), dbSNP rs1671148501, ClinGen allele CA346373296.